The following is an entry in ClinVar:

ClinVar aggregate classification (germline): Likely pathogenic (1 of 4 stars; one submission).

Submission:

Labcorp Genetics (formerly Invitae), Labcorp
Classification: Likely pathogenic. Last evaluated: 2022-06-09. Review status: criteria provided, single submitter. Criteria: Invitae Variant Classification Sherloc (09022015). Collection method: clinical testing. Allele origin: germline.
Comment: In summary, the currently available evidence indicates that the variant is pathogenic, but additional data are needed to prove that conclusively. Therefore, this variant has been classified as Likely Pathogenic. Algorithms developed to predict the effect of sequence changes on RNA splicing suggest that this variant may disrupt the consensus splice site. ClinVar contains an entry for this variant (Variation ID: 640783). This variant has not been reported in the literature in individuals affected with POLE-related conditions. This variant is not present in population databases (gnomAD no frequency). This sequence change affects an acceptor splice site in intron 31 of the POLE gene. It is expected to disrupt RNA splicing. Variants that disrupt the donor or acceptor splice site typically lead to a loss of protein function (PMID: 16199547), and loss-of-function variants in POLE are known to be pathogenic (PMID: 23230001, 25948378, 30503519).

Literature cited by the submitters: PubMed 16199547; PubMed 23230001; PubMed 25948378; PubMed 30503519.

NM_006231.4(POLE):c.4006-2A>T

Gene: POLE (DNA polymerase epsilon, catalytic subunit; minus strand). Cytogenetic location: 12q24.33.
Variant type: single nucleotide variant.
Coding change: c.4006-2A>T on transcript NM_006231.4 (MANE Select); the canonical splice acceptor site of the intron before coding-DNA position 4006, A replaced by T.
Molecular consequence: splice acceptor variant.
Genome position (GRCh38, 1-based): chr12:132,649,074, T>A on the plus strand (A>T on the coding strand, the complement: POLE is on the minus strand). VCF-style: chr12-132649074-T-A. GRCh37 (hg19) VCF-style: chr12-133225660-T-A.
Identifiers: ClinVar variation 640783 (VCV000640783.9), dbSNP rs1593748950, ClinGen allele CA387384056.